The following is an entry in ClinVar:

NC_000019.9:g.(?_13372244)_(13373667_?)dup

Gene: CACNA1A (calcium voltage-gated channel subunit alpha1 A; minus strand). Cytogenetic location: 19p13.2.
Variant type: Duplication.
Identifiers: ClinVar variation 2423757 (VCV002423757.6).

ClinVar aggregate classification (germline): Uncertain significance (1 of 4 stars; one submission).

Conditions:
Episodic ataxia type 2 (EA2). Also called: ATAXIA, EPISODIC, WITH NYSTAGMUS; ATAXIA, FAMILIAL PAROXYSMAL; CEREBELLAR ATAXIA, PAROXYSMAL, ACETAZOLAMIDE-RESPONSIVE; CEREBELLOPATHY, HEREDITARY PAROXYSMAL; EPISODIC ATAXIA, NYSTAGMUS-ASSOCIATED; ACETAZOLAMIDE-RESPONSIVE HEREDITARY PAROXYSMAL CEREBELLAR ATAXIA. Identifiers: Orphanet 97, MedGen C1720416, MONDO:0007163, OMIM 108500.
Developmental and epileptic encephalopathy, 42 (DEE42A). Also called: DEVELOPMENTAL AND EPILEPTIC ENCEPHALOPATHY 42A; EPILEPTIC ENCEPHALOPATHY, EARLY INFANTILE, 42A; Epileptic encephalopathy, early infantile, 42. Identifiers: MedGen C4310716, MONDO:0014917, OMIM 617106.

Submission:

Labcorp Genetics (formerly Invitae), Labcorp
Classification: Uncertain significance for Developmental and epileptic encephalopathy, 42; Episodic ataxia type 2. Last evaluated: 2022-11-15. Review status: criteria provided, single submitter. Criteria: Invitae Variant Classification Sherloc (09022015). Collection method: clinical testing. Allele origin: germline.
Comment: In summary, the available evidence is currently insufficient to determine the role of this variant in disease. Therefore, it has been classified as a Variant of Uncertain Significance. Experimental studies and prediction algorithms are not available or were not evaluated, and the functional significance of this variant is currently unknown. This variant has not been reported in the literature in individuals affected with CACNA1A-related conditions. This variant results in a copy number gain of the genomic region encompassing exon(s) 25-26 of the CACNA1A gene. While the exact position of this variant cannot be determined from the data, sub-genic copy number gains are generally in tandem (PMID: 25640679). This variant is predicted to be in-frame, and likely preserves the integrity of the reading frame.

Literature cited by the submitters: PubMed 25640679.